The following is an entry in ClinVar:

NC_000022.10:g.(?_23917134)_(23922377_?)dup

Gene: IGLL1 (immunoglobulin lambda like polypeptide 1; minus strand). Cytogenetic location: 22q11.23.
Variant type: Duplication.
Identifiers: ClinVar variation 1025142 (VCV001025142.6).

ClinVar aggregate classification (germline): Uncertain significance (1 of 4 stars; one submission).

Conditions:
Agammaglobulinemia 2, autosomal recessive (AGM2). Also called: AGAMMAGLOBULINEMIA, AUTOSOMAL RECESSIVE, DUE TO IGLL1 DEFECT. Identifiers: MedGen C3150750, MONDO:0013287, OMIM 613500.

Submission:

Labcorp Genetics (formerly Invitae), Labcorp
Classification: Uncertain significance for Agammaglobulinemia 2, autosomal recessive. Last evaluated: 2023-11-27. Review status: criteria provided, single submitter. Criteria: Invitae Variant Classification Sherloc (09022015). Collection method: clinical testing. Allele origin: germline.
Comment: This variant results in a copy number gain of the genomic region encompassing exon(s) 1-2 of the IGLL1 gene. This region includes the initiator codon of the gene. This copy number gain extends beyond the assayed region for this gene and therefore may encompass additional genes. As the precise location of this event is unknown, it may be in tandem or it may be located elsewhere in the genome. This variant has not been reported in the literature in individuals affected with IGLL1-related conditions. In summary, the available evidence is currently insufficient to determine the role of this variant in disease. Therefore, it has been classified as a Variant of Uncertain Significance.